The following is an entry in ClinVar:

NM_033238.3(PML):c.1710+685C>T

Gene: PML (PML nuclear body scaffold; plus strand). Cytogenetic location: 15q24.1.
Variant type: single nucleotide variant.
Coding change: c.1710+685C>T on transcript NM_033238.3 (MANE Select); 685 bases into the intron after coding-DNA position 1710, C replaced by T.
Molecular consequence: intron variant. On other transcripts: missense variant (3), 3 prime UTR variant (2).
Genome position (GRCh38, 1-based): chr15:74,035,215, C>T. VCF-style: chr15-74035215-C-T. GRCh37 (hg19) VCF-style: chr15-74327556-C-T.
Other names: c.1754C>T, p.Ala585Val (NM_033239.3, NM_033242.2); c.*559C>T (NM_033240.3, NM_033245.2); c.*79C>T (NM_033244.4); c.1610C>T, p.Ala537Val (NM_033250.3); c.1710+685C>T (NM_002675.4); c.1566+685C>T (NM_033249.3); c.*35+685C>T (NM_033246.3); c.1255-792C>T (NM_033247.3); short protein forms A537V, A585V.
Identifiers: ClinVar variation 3049830 (VCV003049830.2), dbSNP rs78340702, ClinGen allele CA7652723.
Genomic context (GRCh38, chr15:74,035,215, plus strand): 5'-GGTTCTGTATTGGAAAGTGCATGGAGCCCATGGAGACCGCCGAGCCACAGTCCTCGCCAG[C>T]CCACTCCTCGCCAGCCCACTCCTCGCCAGCCCACTCCTCGCCAGTCCAGTCTCTGCTGAG-3'

ClinVar aggregate classification (germline): Likely benign (0 of 4 stars; one submission).

Conditions:
PML-related disorder. Also called: PML-related condition.

Allele frequency attached by ClinVar (database versions not stated): ESP Exome Variant Server 0.00015; 1000 Genomes Project 0.00060; gnomAD exomes 0.00060; ExAC 0.00061; gnomAD 0.00078; TOPMed 0.00099.
gnomAD v4.1: 990 of 1,516,732 alleles (0.065%); highest among the groups gnomAD compares: Middle Eastern, 0.82%; 2 homozygotes.

Submission:

PreventionGenetics, part of Exact Sciences
Classification: Likely benign for PML-related condition. Last evaluated: 2022-03-17. Review status: no assertion criteria provided. Collection method: clinical testing. Allele origin: germline.
Comment: This variant is classified as likely benign based on ACMG/AMP sequence variant interpretation guidelines (Richards et al. 2015 PMID: 25741868, with internal and published modifications).